The following is an entry in ClinVar:

ClinVar aggregate classification (germline): Benign. Review status: criteria provided, multiple submitters, no conflicts (2 of 4 stars). 5 submissions from 4 submitters: Benign (5). Last evaluated 2023-11-12.

Conditions:
Pityriasis rubra pilaris (PRP). Also called: Pityriasis rubra pilaris--familial type. Identifiers: Orphanet 2897, MedGen C0032027, MONDO:0100017, OMIM 173200, MONDO:0008251.
Psoriasis 2. Identifiers: MedGen C1864497, MONDO:0011269, OMIM 602723.

Allele frequency attached by ClinVar (database versions not stated): 1000 Genomes Project 0.47045; 1000 Genomes Project 30x 0.47220; TOPMed 0.50236; gnomAD 0.50743 and 0.51286; gnomAD exomes 0.52349.
gnomAD v4.1: 834,697 of 1,600,596 alleles (52%); highest among the groups gnomAD compares: East Asian, 55%; 220,743 homozygotes.

Submissions (5):

Unidad de Genómica Garrahan, Hospital de Pediatría Garrahan
Classification: Benign. Last evaluated: 2023-11-12. Review status: criteria provided, single submitter. Criteria: ACMG Guidelines, 2015. Collection method: clinical testing. Allele origin: germline. Affected: no. Observed: 25 variant alleles.
Comment: This variant is classified as Benign based on local population frequency. This variant was detected in 26% of patients studied by a panel of primary immunodeficiencies. Number of patients: 25. Only high quality variants are reported.

Genome-Nilou Lab
Classification: Benign for Pityriasis rubra pilaris. Last evaluated: 2021-07-14. Review status: criteria provided, single submitter. Criteria: ACMG Guidelines, 2015. Collection method: clinical testing. Allele origin: germline. Affected: no.

Genome-Nilou Lab
Classification: Benign for Psoriasis 2. Last evaluated: 2021-07-14. Review status: criteria provided, single submitter. Criteria: ACMG Guidelines, 2015. Collection method: clinical testing. Allele origin: germline. Affected: no.

GeneDx
Classification: Benign. Last evaluated: 2018-07-09. Review status: criteria provided, single submitter. Criteria: GeneDx Variant Classification Process June 2021. Collection method: clinical testing. Allele origin: germline. Affected: yes.

Breakthrough Genomics
Classification: Benign. Review status: criteria provided, single submitter. Criteria: ACMG Guidelines, 2015. Collection method: not provided. Allele origin: germline. Inheritance: Autosomal dominant inheritance. Affected: yes.

NM_001366385.1(CARD14):c.1852-60T>C

Genes: SGSH (N-sulfoglucosamine sulfohydrolase; minus strand), CARD14 (caspase recruitment domain family member 14; plus strand). Cytogenetic location: 17q25.3.
Variant type: single nucleotide variant.
Coding change: c.1852-60T>C on transcript NM_001366385.1 (MANE Select); 60 bases into the intron before coding-DNA position 1852, T replaced by C.
Molecular consequence: intron variant.
Genome position (GRCh38, 1-based): chr17:80,201,684, T>C. VCF-style: chr17-80201684-T-C. GRCh37 (hg19) VCF-style: chr17-78175483-T-C.
Other names: c.1852-60T>C (NM_024110.4, NM_001257970.1).
Identifiers: ClinVar variation 1192694 (VCV001192694.6), dbSNP rs2304856, ClinGen allele CA14413488.